The following is an entry in ClinVar:

ClinVar aggregate classification (germline): Likely benign (1 of 4 stars; one submission).

Allele frequency attached by ClinVar (database versions not stated): 1000 Genomes Project 0.00060; 1000 Genomes Project 30x 0.00078; ESP Exome Variant Server 0.00115; gnomAD exomes 0.00116; TOPMed 0.00117; gnomAD 0.00153; ExAC 0.00169.
gnomAD v4.1: 1,943 of 1,613,808 alleles (0.12%); highest among the groups gnomAD compares: Non-Finnish European, 0.13%; 5 homozygotes.

Submission:

CeGaT Center for Human Genetics Tuebingen
Classification: Likely benign. Last evaluated: 2022-06-01. Review status: criteria provided, single submitter. Criteria: CeGaT Center For Human Genetics Tuebingen Variant Classification Criteria Version 2. Collection method: clinical testing. Allele origin: germline. Affected: yes. Observed: 1 variant allele.
Comment: TJP3: BP4, BP7

NM_001267560.2(TJP3):c.120T>C (p.Ser40=)

Gene: TJP3 (tight junction protein 3; plus strand). Cytogenetic location: 19p13.3.
Variant type: single nucleotide variant.
Coding change: c.120T>C on transcript NM_001267560.2 (MANE Select); coding-DNA position 120, T replaced by C.
Protein change: p.Ser40=; no amino-acid change (serine 40 retained).
Molecular consequence: synonymous variant.
Genome position (GRCh38, 1-based): chr19:3,728,675, T>C. VCF-style: chr19-3728675-T-C. GRCh37 (hg19) VCF-style: chr19-3728673-T-C.
Other names: c.147T>C, p.Ser49= (NM_001267561.2).
Identifiers: ClinVar variation 2649006 (VCV002649006.24), dbSNP rs142949186, ClinGen allele CA9082939.
Genomic context (GRCh38, chr19:3,728,675, plus strand): 5'-GGGCTTTGGCATTGCGATCTCTGGAGGCCGAGACCGGCCCGGTGGATCCATGGTTGTATC[T>C]GACGTGGTACCTGGAGGGCCGGCGGAGGGCAGGCTACAGTGAGTATCCAGGCAGCTGGGT-3'
Protein context (NP_001254489.1, residues 30-50): RDRPGGSMVV[Ser40=]DVVPGGPAEG